The following is an entry in ClinVar:

NM_022089.4(ATP13A2):c.1111C>T (p.Arg371Trp)

Gene: ATP13A2 (ATPase cation transporting 13A2; minus strand). Cytogenetic location: 1p36.13.
Variant type: single nucleotide variant.
Coding change: c.1111C>T on transcript NM_022089.4 (MANE Select); coding-DNA position 1111, C replaced by T.
Protein change: p.Arg371Trp; replaces arginine 371 with tryptophan.
Molecular consequence: missense variant.
Genome position (GRCh38, 1-based): chr1:16,997,104, G>A on the plus strand (C>T on the coding strand, the complement: ATP13A2 is on the minus strand). VCF-style: chr1-16997104-G-A. GRCh37 (hg19) VCF-style: chr1-17323599-G-A.
Other names: c.1096C>T, p.Arg366Trp (NM_001141973.3, NM_001141974.3); short protein forms R371W, R366W.
Identifiers: ClinVar variation 872234 (VCV000872234.46), dbSNP rs746292302, ClinGen allele CA637364.

ClinVar aggregate classification (germline): Uncertain significance. Review status: criteria provided, multiple submitters, no conflicts (2 of 4 stars). 2 submissions from 2 submitters: Uncertain significance (2). Last evaluated 2022-11-15.

Conditions:
Kufor-Rakeb syndrome (KRS). Also called: PARKINSON DISEASE 9, AUTOSOMAL RECESSIVE, JUVENILE-ONSET. Identifiers: Orphanet 306674, Orphanet 314632, MedGen C1847640, MONDO:0011706, OMIM 606693.
Autosomal recessive spastic paraplegia type 78. Identifiers: Orphanet 513436, MedGen C5567893, MONDO:0014975, OMIM 617225.

Allele frequency attached by ClinVar (database versions not stated): gnomAD below 0.00001 and 0.00002.

Submissions (2):

Labcorp Genetics (formerly Invitae), Labcorp
Classification: Uncertain significance for Kufor-Rakeb syndrome; Autosomal recessive spastic paraplegia type 78. Last evaluated: 2022-11-15. Review status: criteria provided, single submitter. Criteria: Invitae Variant Classification Sherloc (09022015). Collection method: clinical testing. Allele origin: germline.
Comment: In summary, the available evidence is currently insufficient to determine the role of this variant in disease. Therefore, it has been classified as a Variant of Uncertain Significance. Advanced modeling of protein sequence and biophysical properties (such as structural, functional, and spatial information, amino acid conservation, physicochemical variation, residue mobility, and thermodynamic stability) performed at Invitae indicates that this missense variant is expected to disrupt ATP13A2 protein function. ClinVar contains an entry for this variant (Variation ID: 872234). This variant has not been reported in the literature in individuals affected with ATP13A2-related conditions. This variant is present in population databases (rs746292302, gnomAD 0.01%). This sequence change replaces arginine, which is basic and polar, with tryptophan, which is neutral and slightly polar, at codon 371 of the ATP13A2 protein (p.Arg371Trp).

CeGaT Center for Human Genetics Tuebingen
Classification: Uncertain significance. Last evaluated: 2019-09-01. Review status: criteria provided, single submitter. Criteria: CeGaT Center For Human Genetics Tuebingen Variant Classification Criteria Version 2. Collection method: clinical testing. Allele origin: germline. Affected: yes. Observed: 1 variant allele.